The following is an entry in ClinVar:

NM_001042492.3(NF1):c.5858del (p.Leu1953fs)

Gene: NF1 (neurofibromin 1; plus strand). Cytogenetic location: 17q11.2.
Variant type: Deletion.
Coding change: c.5858del on transcript NM_001042492.3 (MANE Select); coding-DNA position 5858, one base deleted (T; older notation c.5858delT).
Protein change: p.Leu1953fs; shifts the reading frame from leucine 1953.
Molecular consequence: frameshift variant.
Genome position (GRCh38, 1-based): chr17:31,334,883, T deleted. VCF-style (leftmost placement, unchanged base first): chr17-31334882-CT-C. GRCh37 (hg19) VCF-style: chr17-29661900-CT-C.
Other names: c.5795del, p.Leu1932fs (NM_000267.4); short protein forms L1932fs, L1953fs.
Identifiers: ClinVar variation 4997037 (VCV004997037.1).

ClinVar aggregate classification (germline): Pathogenic (1 of 4 stars; one submission).

Conditions:
NF1-related disorder. Also called: NF1-related condition. Identifiers: MedGen CN379171.

Submission:

PreventionGenetics, part of Exact Sciences
Classification: Pathogenic for NF1-related condition. Last evaluated: 2025-05-21. Review status: criteria provided, single submitter. Criteria: ACMG Guidelines, 2015. Collection method: clinical testing. Allele origin: germline.
Comment: The NF1 c.5858delT variant is predicted to result in a frameshift and premature protein termination (p.Leu1953Argfs*4). To our knowledge, this variant has not been reported in the literature or in a large population database (gnomAD), indicating this variant is rare. At the time of reporting this variant was not present in ClinVar, but downstream variants have been classified as pathogenic. Frameshift variants in NF1 are expected to be pathogenic (Fahsold et al. 2000. PubMed ID: 10712197; Sabbagh et al. 2013. PubMed ID: 23913538). This variant is interpreted as pathogenic.